The following is an entry in ClinVar:

ClinVar aggregate classification (germline): Uncertain significance (1 of 4 stars; one submission).

Conditions:
Dilated cardiomyopathy 1W (CMD1W). Identifiers: Orphanet 154, MedGen C1969639, MONDO:0012667, OMIM 611407.

Allele frequency attached by ClinVar (database versions not stated): gnomAD exomes below 0.00001 and 0.00001; gnomAD 0.00001; TOPMed 0.00001.
gnomAD v4.1: 13 of 1,614,034 alleles (0.00081%); highest among the groups gnomAD compares: Non-Finnish European, 0.0011%; no homozygotes.

Submission:

Labcorp Genetics (formerly Invitae), Labcorp
Classification: Uncertain significance for Dilated cardiomyopathy 1W. Last evaluated: 2023-10-03. Review status: criteria provided, single submitter. Criteria: Invitae Variant Classification Sherloc (09022015). Collection method: clinical testing. Allele origin: germline.
Comment: This sequence change replaces arginine, which is basic and polar, with cysteine, which is neutral and slightly polar, at codon 758 of the VCL protein (p.Arg758Cys). This variant is present in population databases (no rsID available, gnomAD 0.0009%). This variant has not been reported in the literature in individuals affected with VCL-related conditions. ClinVar contains an entry for this variant (Variation ID: 968134). An algorithm developed to predict the effect of missense changes on protein structure and function (PolyPhen-2) suggests that this variant is likely to be disruptive. In summary, the available evidence is currently insufficient to determine the role of this variant in disease. Therefore, it has been classified as a Variant of Uncertain Significance.

NM_014000.3(VCL):c.2272C>T (p.Arg758Cys)

Gene: VCL (vinculin; plus strand). Cytogenetic location: 10q22.2.
Variant type: single nucleotide variant.
Coding change: c.2272C>T on transcript NM_014000.3 (MANE Select); coding-DNA position 2272, C replaced by T.
Protein change: p.Arg758Cys; replaces arginine 758 with cysteine.
Molecular consequence: missense variant.
Genome position (GRCh38, 1-based): chr10:74,105,191, C>T. VCF-style: chr10-74105191-C-T. GRCh37 (hg19) VCF-style: chr10-75864949-C-T.
Other names: c.2272C>T, p.Arg758Cys (NM_003373.4); short protein forms R758C.
Identifiers: ClinVar variation 968134 (VCV000968134.9), dbSNP rs1429797708, ClinGen allele CA377262333.